The following is an entry in ClinVar:

ClinVar aggregate classification (germline): Uncertain significance (1 of 4 stars; one submission).

Conditions:
Intellectual disability, autosomal dominant 11. Identifiers: MedGen C3280285, MONDO:0013658, OMIM 614257.

gnomAD v4.1: 1 of 1,022,878 alleles (0.000098%); no homozygotes.

Submission:

Victorian Clinical Genetics Services, Murdoch Childrens Research Institute
Classification: Uncertain significance for Intellectual disability, autosomal dominant 11. Last evaluated: 2020-05-21. Review status: criteria provided, single submitter. Criteria: ACMG Guidelines, 2015. Collection method: clinical testing. Allele origin: germline. Inheritance: Autosomal dominant inheritance.
Comment: A heterozygous missense variant was identified, NM_001258330.1(EPB41L1):c.17G>A in exon 3 of the EPB41L1 gene (NB: this variant is non-coding in alternative transcripts). This substitution is predicted to create a minor amino acid change from an arginine to a lysine at position 6 of the protein; NP_001245259.1(EPB41L1):p.(Arg6Lys). The arginine at this position has low conservation (100 vertebrates, UCSC), and is not situated in a known functional domain (NCBI, PDB). In silico software predictions of the pathogenicity of this variant are conflicting (SIFT, CADD, Mutation Taster). The variant is not present in the gnomAD population database. This variant has not previously been reported in clinical cases. Based on information available at the time of curation, this variant has been classified as a VUS with LOW CLINICAL RELEVANCE.

NM_001258330.1(EPB41L1):c.17G>A (p.Arg6Lys)

Gene: EPB41L1 (erythrocyte membrane protein band 4.1 like 1; plus strand). Cytogenetic location: 20q11.23.
Variant type: single nucleotide variant.
Coding change: c.17G>A on transcript NM_001258330.1; coding-DNA position 17, G replaced by A.
Protein change: p.Arg6Lys; replaces arginine 6 with lysine.
Molecular consequence: missense variant. On other transcripts: intron variant (8).
Genome position (GRCh38, 1-based): chr20:36,125,460, G>A. VCF-style: chr20-36125460-G-A. GRCh37 (hg19) VCF-style: chr20-34713382-G-A.
Other names: c.-10+12980G>A (NM_001424405.1, NM_001424404.1, NM_001424403.1 and 4 more transcripts); c.-15+11661G>A (NM_001258329.1); short protein forms R6K.
Identifiers: ClinVar variation 1805753 (VCV001805753.1), dbSNP rs2516820666, ClinGen allele CA510440096.
Genomic context (GRCh38, chr20:36,125,460, plus strand): 5'-TCTGTTTCTTCATCTGTAAACAGGCTGCTGTTCGTACCTGCCTCATGGTTTTCTTGGGGA[G>A]GATCAATGAGGTAGAACCTGCAAAGGGCTTAGCAGAGAGCCTAGCACCTACTGAGCGCTC-3'